The following is an entry in ClinVar:

NM_001145809.2(MYH14):c.660G>T (p.Ser220=)

Gene: MYH14 (myosin heavy chain 14; plus strand). Cytogenetic location: 19q13.33.
Variant type: single nucleotide variant.
Coding change: c.660G>T on transcript NM_001145809.2 (MANE Select); coding-DNA position 660, G replaced by T.
Protein change: p.Ser220=; no amino-acid change (serine 220 retained).
Molecular consequence: synonymous variant.
Genome position (GRCh38, 1-based): chr19:50,223,316, G>T. VCF-style: chr19-50223316-G-T. GRCh37 (hg19) VCF-style: chr19-50726573-G-T.
Other names: c.660G>T, p.Ser220= (NM_001077186.2, NM_024729.4).
Identifiers: ClinVar variation 164165 (VCV000164165.20), dbSNP rs201835322, ClinGen allele CA176878.

ClinVar aggregate classification (germline): Benign/Likely benign. Review status: criteria provided, multiple submitters, no conflicts (2 of 4 stars). 6 submissions from 6 submitters: Benign (3); Likely benign (2). 1 of the submissions does not count toward it. Last evaluated 2026-01-06.

Conditions:
MYH14-related disorder. Also called: MYH14-related condition.

Allele frequency attached by ClinVar (database versions not stated): TOPMed 0.00032; 1000 Genomes Project 30x 0.00125; 1000 Genomes Project 0.00160.
gnomAD v4.1: 192 of 1,588,752 alleles (0.012%); highest among the groups gnomAD compares: East Asian, 0.26%; no homozygotes.

Submissions (10):

Labcorp Genetics (formerly Invitae), Labcorp
Classification: Benign. Last evaluated: 2026-01-06. Review status: criteria provided, single submitter. Criteria: Invitae Variant Classification Sherloc (09022015). Collection method: clinical testing. Allele origin: germline.

Blueprint Genetics
Classification: Likely benign. Last evaluated: 2024-10-23. Review status: criteria provided, single submitter. Criteria: ACMG Guidelines, 2015. Collection method: clinical testing. Allele origin: germline.

GeneDx
Classification: Likely benign. Last evaluated: 2021-01-18. Review status: criteria provided, single submitter. Criteria: GeneDx Variant Classification Process June 2021. Collection method: clinical testing. Allele origin: germline. Affected: yes.

Eurofins Ntd Llc (ga)
Classification: Benign. Last evaluated: 2016-08-26. Review status: criteria provided, single submitter. Criteria: EGL Classification Definitions 2015. Collection method: clinical testing. Allele origin: germline. Observed: 1 variant allele, 1 heterozygote.

Laboratory for Molecular Medicine, Mass General Brigham Personalized Medicine
Classification: Benign. Last evaluated: 2015-05-27. Review status: criteria provided, single submitter. Criteria: LMM Criteria. Collection method: clinical testing. Allele origin: germline. Observed: 2 variant alleles.
Comment: p.Ser220Ser in exon 5 of MYH14: This variant is not expected to have clinical si gnificance because it does not alter an amino acid residue, is not located withi n the splice consensus sequence, and has been identified in 0.94% (26/2766) of East Asian chromosomes by the Exome Aggregation Consortium (ExAC; dbSNP rs201835322).

PreventionGenetics, part of Exact Sciences
Classification: Likely benign for MYH14-related condition. Last evaluated: 2024-09-23. Review status: no assertion criteria provided. Collection method: clinical testing. Allele origin: germline. Not counted in ClinVar's aggregate classification.
Comment: This variant is classified as likely benign based on ACMG/AMP sequence variant interpretation guidelines (Richards et al. 2015 PMID: 25741868, with internal and published modifications).

Dr. Peter K. Rogan Lab, Western University
No classification provided (evidence only). Condition: Cholangiocarcinoma. Review status: no classification provided. Collection method: in vitro. Allele origin: not applicable. Functional consequence: retained intron. Not counted in ClinVar's aggregate classification.

Dr. Peter K. Rogan Lab, Western University
No classification provided (evidence only). Condition: Malignant tumor of esophagus. Review status: no classification provided. Collection method: in vitro. Allele origin: not applicable. Functional consequence: retained intron. Not counted in ClinVar's aggregate classification.

Dr. Peter K. Rogan Lab, Western University
No classification provided (evidence only). Condition: Malignant tumor of esophagus. Review status: no classification provided. Collection method: in vitro. Allele origin: not applicable. Functional consequence: retained intron. Not counted in ClinVar's aggregate classification.

Dr. Peter K. Rogan Lab, Western University
No classification provided (evidence only). Condition: Malignant tumor of esophagus. Review status: no classification provided. Collection method: in vitro. Allele origin: not applicable. Functional consequence: retained intron. Not counted in ClinVar's aggregate classification.